The following is an entry in ClinVar:

ClinVar aggregate classification (germline): Uncertain significance. Review status: criteria provided, multiple submitters, no conflicts (2 of 4 stars). 3 submissions from 3 submitters: Uncertain significance (3). Last evaluated 2025-08-22.

Allele frequency attached by ClinVar (database versions not stated): 1000 Genomes Project 0.00020; 1000 Genomes Project 30x 0.00031.

Submissions (3):

Ambry Genetics
Classification: Uncertain significance. Last evaluated: 2025-08-22. Review status: criteria provided, single submitter. Criteria: Ambry Variant Classification Scheme 2023. Collection method: clinical testing. Allele origin: germline.

Labcorp Genetics (formerly Invitae), Labcorp
Classification: Uncertain significance. Last evaluated: 2024-11-05. Review status: criteria provided, single submitter. Criteria: Invitae Variant Classification Sherloc (09022015). Collection method: clinical testing. Allele origin: germline.
Comment: This sequence change replaces arginine, which is basic and polar, with glutamine, which is neutral and polar, at codon 117 of the TUB protein (p.Arg117Gln). This variant is present in population databases (rs533484598, gnomAD 0.02%). This variant has not been reported in the literature in individuals affected with TUB-related conditions. ClinVar contains an entry for this variant (Variation ID: 2081594). An algorithm developed to predict the effect of missense changes on protein structure and function (PolyPhen-2) suggests that this variant¬†is likely to be tolerated. In summary, the available evidence is currently insufficient to determine the role of this variant in disease. Therefore, it has been classified as a Variant of Uncertain Significance.

Blueprint Genetics
Classification: Uncertain significance. Last evaluated: 2021-01-07. Review status: criteria provided, single submitter. Criteria: ACMG Guidelines, 2015. Collection method: clinical testing. Allele origin: germline.

NM_177972.3(TUB):c.185G>A (p.Arg62Gln)

Gene: TUB (TUB bipartite transcription factor; plus strand). Cytogenetic location: 11p15.4.
Variant type: single nucleotide variant.
Coding change: c.185G>A on transcript NM_177972.3 (MANE Select); coding-DNA position 185, G replaced by A.
Protein change: p.Arg62Gln; replaces arginine 62 with glutamine.
Molecular consequence: missense variant.
Genome position (GRCh38, 1-based): chr11:8,090,163, G>A. VCF-style: chr11-8090163-G-A. GRCh37 (hg19) VCF-style: chr11-8111710-G-A.
Other names: c.350G>A, p.Arg117Gln (NM_003320.5); c.350G>A (NM_003320.4); short protein forms R62Q, R117Q.
Identifiers: ClinVar variation 2081594 (VCV002081594.5), dbSNP rs533484598, ClinGen allele CA5870989.